The following is an entry in ClinVar:

NM_000548.5(TSC2):c.1858C>T (p.Leu620=)

Gene: TSC2 (TSC complex subunit 2; plus strand). Cytogenetic location: 16p13.3.
Variant type: single nucleotide variant.
Coding change: c.1858C>T on transcript NM_000548.5 (MANE Select); coding-DNA position 1858, C replaced by T.
Protein change: p.Leu620=; no amino-acid change (leucine 620 retained).
Molecular consequence: synonymous variant.
Genome position (GRCh38, 1-based): chr16:2,071,528, C>T. VCF-style: chr16-2071528-C-T. GRCh37 (hg19) VCF-style: chr16-2121529-C-T.
Other names: c.1858C>T, p.Leu620= (NM_001077183.3, NM_001114382.3, NM_001363528.2 and 3 more transcripts); c.1747C>T, p.Leu583= (NM_001318827.2); c.1711C>T, p.Leu571= (NM_001318829.2); c.1258C>T, p.Leu420= (NM_001318831.2); c.1891C>T, p.Leu631= (NM_001318832.2).
Identifiers: ClinVar variation 1139086 (VCV001139086.10), dbSNP rs1212638240, ClinGen allele CA492950275.

ClinVar aggregate classification (germline): Benign/Likely benign. Review status: criteria provided, multiple submitters, no conflicts (2 of 4 stars). 2 submissions from 2 submitters: Benign (1); Likely benign (1). Last evaluated 2025-05-16.

Conditions:
Tuberous sclerosis 2 (TSC2). Identifiers: Orphanet 805, MedGen C1860707, MONDO:0013199, OMIM 613254.

Allele frequency attached by ClinVar (database versions not stated): gnomAD exomes below 0.00001.

Submissions (2):

Myriad Genetics, Inc.
Classification: Benign for Tuberous sclerosis 2. Last evaluated: 2025-05-16. Review status: criteria provided, single submitter. Criteria: Myriad Autosomal Dominant, Autosomal Recessive and X-Linked Classification Criteria (2023). Collection method: clinical testing. Allele origin: unknown.
Comment: This variant is considered benign. This variant is a silent/synonymous amino acid change and it is not expected to impact splicing.

Labcorp Genetics (formerly Invitae), Labcorp
Classification: Likely benign for Tuberous sclerosis 2. Last evaluated: 2025-03-13. Review status: criteria provided, single submitter. Criteria: Invitae Variant Classification Sherloc (09022015). Collection method: clinical testing. Allele origin: germline.